The following is an entry in ClinVar:

NM_000089.4(COL1A2):c.593A>G (p.Lys198Arg)

Gene: COL1A2 (collagen type I alpha 2 chain; plus strand). Cytogenetic location: 7q21.3.
Variant type: single nucleotide variant.
Coding change: c.593A>G on transcript NM_000089.4 (MANE Select); coding-DNA position 593, A replaced by G.
Protein change: p.Lys198Arg; replaces lysine 198 with arginine.
Molecular consequence: missense variant.
Genome position (GRCh38, 1-based): chr7:94,406,302, A>G. VCF-style: chr7-94406302-A-G. GRCh37 (hg19) VCF-style: chr7-94035614-A-G.
Other names: short protein forms K198R.
Identifiers: ClinVar variation 963234 (VCV000963234.16), dbSNP rs772672797, ClinGen allele CA4346719.

ClinVar aggregate classification (germline): Uncertain significance. Review status: criteria provided, multiple submitters, no conflicts (2 of 4 stars). 4 submissions from 4 submitters: Uncertain significance (4). Last evaluated 2026-09-23.

Conditions:
COL1A2-related disorder. Also called: COL1A2-Related Disorders; COL1A2-related condition.
Cardiovascular phenotype. Identifiers: MedGen CN230736.
Osteogenesis imperfecta type I (OI1). Also called: Lobstein's Disease; Classic Non-deforming Osteogenesis Imperfecta with Blue Sclerae; OI, TYPE I; OSTEOGENESIS IMPERFECTA TARDA; OSTEOGENESIS IMPERFECTA WITH BLUE SCLERAE; Lobstein disease. Identifiers: Orphanet 216796, Orphanet 666, MedGen C0023931, MONDO:0008146, OMIM 166200. Disease mechanism: loss of function.
Ehlers-Danlos syndrome, classic type, 1 (EDSCL1). Also called: Ehlers-Danlos syndrome, type 1; EHLERS-DANLOS SYNDROME, GRAVIS TYPE; EHLERS-DANLOS SYNDROME, SEVERE CLASSIC TYPE; EDS I; Ehlers-Danlos Syndrome, Classic Type, COL5A1-Related. Identifiers: MedGen C0268335, MONDO:0019567, OMIM 130000.
Combined osteogenesis imperfecta and Ehlers-Danlos syndrome 2. Also called: OIEDS SYNDROME 2. Identifiers: MedGen C5436847, MONDO:0030855, OMIM 619120.

Allele frequency attached by ClinVar (database versions not stated): ExAC 0.00001; gnomAD 0.00001; gnomAD exomes 0.00001; TOPMed 0.00001.
gnomAD v4.1: 17 of 1,613,782 alleles (0.0011%); highest among the groups gnomAD compares: East Asian, 0.016%; no homozygotes.

Submissions (5):

PreventionGenetics, part of Exact Sciences
Classification: Uncertain significance for COL1A2-related condition. Last evaluated: 2026-09-23. Review status: criteria provided, single submitter. Criteria: ACMG Guidelines, 2015. Collection method: clinical testing. Allele origin: germline.
Comment: The COL1A2 c.593A>G variant is predicted to result in the amino acid substitution p.Lys198Arg. To our knowledge, this variant has not been reported in the literature. This variant is reported in 0.016% of alleles in individuals of East Asian descent in gnomAD. At this time, the clinical significance of this variant is uncertain due to the absence of conclusive functional and genetic evidence.

Labcorp Genetics (formerly Invitae), Labcorp
Classification: Uncertain significance for Osteogenesis imperfecta type I; Ehlers-Danlos syndrome, classic type, 1. Last evaluated: 2025-10-20. Review status: criteria provided, single submitter. Criteria: Invitae Variant Classification Sherloc (09022015). Collection method: clinical testing. Allele origin: germline.
Comment: This sequence change replaces lysine, which is basic and polar, with arginine, which is basic and polar, at codon 198 of the COL1A2 protein (p.Lys198Arg). This variant is present in population databases (rs772672797, gnomAD 0.02%). This variant has not been reported in the literature in individuals affected with COL1A2-related conditions. ClinVar contains an entry for this variant (Variation ID: 963234). Experimental studies and prediction algorithms are not available or were not evaluated, and the functional significance of this variant is currently unknown. Algorithms developed to predict the effect of sequence changes on RNA splicing suggest that this variant may disrupt the consensus splice site. In summary, the available evidence is currently insufficient to determine the role of this variant in disease. Therefore, it has been classified as a Variant of Uncertain Significance.

Department of Pathology and Laboratory Medicine, Sinai Health System
Classification: Uncertain significance for combined osteogenesis imperfecta and Ehlers-Danlos syndrome 2. Last evaluated: 2021-07-30. Review status: criteria provided, single submitter. Criteria: ACMG Guidelines, 2015. Collection method: research. Allele origin: germline.

Ambry Genetics
Classification: Uncertain significance for Cardiovascular phenotype. Last evaluated: 2021-04-14. Review status: criteria provided, single submitter. Criteria: Ambry Variant Classification Scheme 2023. Collection method: clinical testing. Allele origin: germline.
Comment: The p.K198R variant (also known as c.593A>G), located in coding exon 12 of the COL1A2 gene, results from an A to G substitution at nucleotide position 593. The lysine at codon 198 is replaced by arginine, an amino acid with highly similar properties. This amino acid position is highly conserved in available vertebrate species. In addition, the in silico prediction for this alteration is inconclusive. Since supporting evidence is limited at this time, the clinical significance of this alteration remains unclear.

Dr. Peter K. Rogan Lab, Western University
No classification provided (evidence only). Condition: Adrenocortical carcinoma, hereditary. Review status: no classification provided. Collection method: in vitro. Allele origin: not applicable. Functional consequence: retained intron. Not counted in ClinVar's aggregate classification.